The following is an entry in ClinVar:

NM_001126108.2(SLC12A3):c.741+4A>G

Gene: SLC12A3 (solute carrier family 12 member 3; plus strand). Cytogenetic location: 16q13.
Variant type: single nucleotide variant.
Coding change: c.741+4A>G on transcript NM_001126108.2 (MANE Select); 4 bases into the intron after coding-DNA position 741, A replaced by G.
Molecular consequence: intron variant.
Genome position (GRCh38, 1-based): chr16:56,870,239, A>G. VCF-style: chr16-56870239-A-G. GRCh37 (hg19) VCF-style: chr16-56904151-A-G.
Other names: c.741+4A>G (NM_000339.3); c.738+4A>G (NM_001126107.2, NM_001410896.1).
Identifiers: ClinVar variation 2704021 (VCV002704021.3), dbSNP rs2543482017, ClinGen allele CA2697555855.

ClinVar aggregate classification (germline): Uncertain significance (1 of 4 stars; one submission).

Submission:

Labcorp Genetics (formerly Invitae), Labcorp
Classification: Uncertain significance. Last evaluated: 2023-12-19. Review status: criteria provided, single submitter. Criteria: Invitae Variant Classification Sherloc (09022015). Collection method: clinical testing. Allele origin: germline.
Comment: This sequence change falls in intron 5 of the SLC12A3 gene. It does not directly change the encoded amino acid sequence of the SLC12A3 protein. It affects a nucleotide within the consensus splice site. This variant is not present in population databases (gnomAD no frequency). This variant has not been reported in the literature in individuals affected with SLC12A3-related conditions. Variants that disrupt the consensus splice site are a relatively common cause of aberrant splicing (PMID: 17576681, 9536098). Algorithms developed to predict the effect of sequence changes on RNA splicing suggest that this variant is not likely to affect RNA splicing. In summary, the available evidence is currently insufficient to determine the role of this variant in disease. Therefore, it has been classified as a Variant of Uncertain Significance.

Literature cited by the submitters: PubMed 17576681; PubMed 9536098.